The following is an entry in ClinVar:

ClinVar aggregate classification (germline): Pathogenic (1 of 4 stars; one submission).

Submission:

Labcorp Genetics (formerly Invitae), Labcorp
Classification: Pathogenic. Last evaluated: 2023-08-14. Review status: criteria provided, single submitter. Criteria: Invitae Variant Classification Sherloc (09022015). Collection method: clinical testing. Allele origin: germline.
Comment: This variant is not present in population databases (gnomAD no frequency). This sequence change creates a premature translational stop signal (p.Met306Serfs*4) in the C2 gene. It is expected to result in an absent or disrupted protein product. Loss-of-function variants in C2 are known to be pathogenic (PMID: 1577763, 9616367). This variant has not been reported in the literature in individuals affected with C2-related conditions. For these reasons, this variant has been classified as Pathogenic.

Literature cited by the submitters: PubMed 1577763; PubMed 9616367.

NM_000063.6(C2):c.917del (p.Met306fs)

Genes: C2 (complement C2; plus strand), C2-AS1 (C2 antisense RNA 1; minus strand). Cytogenetic location: 6p21.33.
Variant type: Deletion.
Coding change: c.917del on transcript NM_000063.6 (MANE Select); coding-DNA position 917, one base deleted (T; older notation c.917delT).
Protein change: p.Met306fs; shifts the reading frame from methionine 306.
Molecular consequence: frameshift variant. On other transcripts: intron variant (1).
Genome position (GRCh38, 1-based): chr6:31,935,990, T deleted. VCF-style (leftmost placement, unchanged base first): chr6-31935989-AT-A. GRCh37 (hg19) VCF-style: chr6-31903766-AT-A.
Other names: c.347-1329del (NM_001178063.3); c.521del, p.Met174fs (NM_001145903.3); c.179del, p.Met60fs (NM_001282457.2); c.830del, p.Met277fs (NM_001282458.2); short protein forms M174fs, M60fs, M277fs, M306fs.
Identifiers: ClinVar variation 2750154 (VCV002750154.3), dbSNP rs2482547657, ClinGen allele CA2697546208.